The following is an entry in ClinVar:

NM_020921.4(NIN):c.2977A>G (p.Ile993Val)

Gene: NIN (ninein; minus strand). Cytogenetic location: 14q22.1.
Variant type: single nucleotide variant.
Coding change: c.2977A>G on transcript NM_020921.4 (MANE Select); coding-DNA position 2977, A replaced by G.
Protein change: p.Ile993Val; replaces isoleucine 993 with valine.
Molecular consequence: missense variant. On other transcripts: intron variant (1).
Genome position (GRCh38, 1-based): chr14:50,758,053, T>C on the plus strand (A>G on the coding strand, the complement: NIN is on the minus strand). VCF-style: chr14-50758053-T-C. GRCh37 (hg19) VCF-style: chr14-51224771-T-C.
Other names: c.2977A>G, p.Ile993Val (NM_182944.3, NM_182946.2); c.2399+1804A>G (NM_016350.5); short protein forms I993V.
Identifiers: ClinVar variation 2808839 (VCV002808839.3), dbSNP rs2505837749, ClinGen allele CA389698741.

ClinVar aggregate classification (germline): Uncertain significance (1 of 4 stars; one submission).

Submission:

Labcorp Genetics (formerly Invitae), Labcorp
Classification: Uncertain significance. Last evaluated: 2023-12-28. Review status: criteria provided, single submitter. Criteria: Invitae Variant Classification Sherloc (09022015). Collection method: clinical testing. Allele origin: germline.
Comment: This sequence change replaces isoleucine, which is neutral and non-polar, with valine, which is neutral and non-polar, at codon 993 of the NIN protein (p.Ile993Val). This variant is not present in population databases (gnomAD no frequency). This variant has not been reported in the literature in individuals affected with NIN-related conditions. Algorithms developed to predict the effect of missense changes on protein structure and function output the following: SIFT: "Not Available"; PolyPhen-2: "Benign"; Align-GVGD: "Not Available". The valine amino acid residue is found in multiple mammalian species, which suggests that this missense change does not adversely affect protein function. In summary, the available evidence is currently insufficient to determine the role of this variant in disease. Therefore, it has been classified as a Variant of Uncertain Significance.